The following is an entry in ClinVar:

NM_002617.4(PEX10):c.*352G>A

Genes: PEX10 (peroxisomal biogenesis factor 10; minus strand), RER1 (retention in endoplasmic reticulum sorting receptor 1; plus strand). Cytogenetic location: 1p36.32.
Variant type: single nucleotide variant.
Coding change: c.*352G>A on transcript NM_002617.4 (MANE Select); 352 bases downstream of the stop codon, G replaced by A.
Molecular consequence: 3 prime UTR variant. On other transcripts: non-coding transcript variant (1).
Genome position (GRCh38, 1-based): chr1:2,405,414, C>T on the plus strand (G>A on the coding strand, the complement: PEX10 is on the minus strand). VCF-style: chr1-2405414-C-T. GRCh37 (hg19) VCF-style: chr1-2336853-C-T.
Other names: c.*2290C>T (NM_007033.5); c.*352G>A (NM_001374425.1, NM_001374426.1, NM_001374427.1 and 1 more transcripts).
Identifiers: ClinVar variation 296265 (VCV000296265.5), dbSNP rs115735911, ClinGen allele CA10609900.
Genomic context (GRCh38, chr1:2,405,414, plus strand): 5'-CACTCATTCAGTCCATTGCCTTAACACAAGCCTGATGGGGCTGTTTTCTCACAATATAAA[C>T]GAATAAAGTGTCTTCTGGCCTACTTCTGAATTACTTCTCAACTGTATGGTTTGGGGAAGG-3'

ClinVar aggregate classification (germline): Benign (1 of 4 stars; one submission).

Conditions:
Peroxisome biogenesis disorder 6A (Zellweger). Also called: Peroxisome biogenesis disorder 6A. Identifiers: Orphanet 912, MedGen C3553947, MONDO:0013936, OMIM 614870.

Allele frequency attached by ClinVar (database versions not stated): 1000 Genomes Project 0.00879; 1000 Genomes Project 30x 0.00921; TOPMed 0.01377.

Submission:

Illumina Laboratory Services, Illumina
Classification: Benign for Peroxisome biogenesis disorder 6A (Zellweger). Last evaluated: 2018-01-13. Review status: criteria provided, single submitter. Criteria: ICSL Variant Classification Criteria 13 December 2019. Collection method: clinical testing. Allele origin: germline.
Comment: This variant was observed in the ICSL laboratory as part of a predisposition screen in an ostensibly healthy population. It had not been previously curated by ICSL or reported in the Human Gene Mutation Database (HGMD: prior to June 1st, 2018), and was therefore a candidate for classification through an automated scoring system. Utilizing variant allele frequency, disease prevalence and penetrance estimates, and inheritance mode, an automated score was calculated to assess if this variant is too frequent to cause the disease. Based on the score and internal cut-off values, a variant classified as benign is not then subjected to further curation. The score for this variant resulted in a classification of benign for this disease.